The following is an entry in ClinVar:

NM_022455.5(NSD1):c.5789G>A (p.Arg1930His)

Gene: NSD1 (nuclear receptor binding SET domain protein 1; plus strand). Cytogenetic location: 5q35.3.
Variant type: single nucleotide variant.
Coding change: c.5789G>A on transcript NM_022455.5 (MANE Select); coding-DNA position 5789, G replaced by A.
Protein change: p.Arg1930His; replaces arginine 1930 with histidine.
Molecular consequence: missense variant.
Genome position (GRCh38, 1-based): chr5:177,280,731, G>A. VCF-style: chr5-177280731-G-A. GRCh37 (hg19) VCF-style: chr5-176707732-G-A.
Other names: c.5789G>A, p.Arg1930His (NM_001409301.1, NM_001409302.1, NM_001409303.1); c.5369G>A, p.Arg1790His (NM_001409304.1); c.5036G>A, p.Arg1679His (NM_001409305.1); c.5027G>A, p.Arg1676His (NM_001409306.1, NM_001409307.1); c.4916G>A, p.Arg1639His (NM_001409308.1, NM_001409309.1, NM_001365684.2 and 1 more transcripts); short protein forms R1661H, R1930H, R1676H, R1790H, R1639H, R1679H.
Identifiers: ClinVar variation 1306744 (VCV001306744.5), dbSNP rs1391504793, ClinGen allele CA362313289.

ClinVar aggregate classification (germline): Uncertain significance. Review status: criteria provided, multiple submitters, no conflicts (2 of 4 stars). 2 submissions from 2 submitters: Uncertain significance (2). Last evaluated 2021-05-06.

Conditions:
Sotos syndrome (SOTOS). Also called: CEREBRAL GIGANTISM; CHROMOSOME 5q35 DELETION SYNDROME; SOTOS SYNDROME 1; Sotos' syndrome; Distinctive facial appearance, overgrowth in childhood, and learning disabilities or delayed development. Identifiers: Orphanet 821, MedGen C0175695, MONDO:0019349, OMIM 117550.

Allele frequency attached by ClinVar (database versions not stated): TOPMed below 0.00001; gnomAD exomes 0.00001.
gnomAD v4.1: 15 of 1,614,218 alleles (0.00093%); highest among the groups gnomAD compares: South Asian, 0.0099%; no homozygotes.

Submissions (2):

Victorian Clinical Genetics Services, Murdoch Childrens Research Institute
Classification: Uncertain significance for Sotos syndrome. Last evaluated: 2021-05-06. Review status: criteria provided, single submitter. Criteria: ACMG Guidelines, 2015. Collection method: clinical testing. Allele origin: germline. Inheritance: Autosomal dominant inheritance. Affected: yes.
Comment: Based on the classification scheme VCGS_Germline_v1.3.4, this variant is classified as VUS-3B. Following criteria are met: 0102 - Loss of function is a known mechanism of disease in this gene and is associated with Sotos syndrome 1 (MIM#117550) (PMID: 31147750). (I) 0107 - This gene is associated with autosomal dominant disease. (I) 0200 - Variant is predicted to result in a missense amino acid change from arginine to lysine. (I) 0251 - This variant is heterozygous. (I) 0301 - Variant is absent from gnomAD (both v2 and v3). (SP) 0309 - An alternative amino acid change at the same position has been observed in gnomAD (v3: 2 heterozygotes, 0 homozygotes). (I) 0502 - Missense variant with conflicting in silico predictions and uninformative conservation. (I) 0603 - Missense variant in a region that is highly intolerant to missense variation (high constraint region in DECIPHER). (SP) 0705 - No comparable missense variants have previous evidence for pathogenicity. (I) 0807 - This variant has no previous evidence of pathogenicity. (I) 0905 - No published segregation evidence has been identified for this variant. (I) 1007 - No published functional evidence has been identified for this variant. (I) 1208 - Inheritance information for this variant is not currently available in this individual. (I) Legend: (SP) - Supporting pathogenic, (I) - Information, (SB) - Supporting benign

GeneDx
Classification: Uncertain significance. Last evaluated: 2019-07-02. Review status: criteria provided, single submitter. Criteria: GeneDx Variant Classification Process June 2021. Collection method: clinical testing. Allele origin: germline. Affected: yes.
Comment: Not observed in large population cohorts (Lek et al., 2016); In silico analysis, which includes protein predictors and evolutionary conservation, supports a deleterious effect; Has not been previously published as pathogenic or benign to our knowledge

Literature cited by the submitters: PubMed 31147750 (cited by Victorian Clinical Genetics Services, Murdoch Childrens Research Institute).